The following is an entry in ClinVar:

NM_004519.4(KCNQ3):c.356G>A (p.Arg119Gln)

Gene: KCNQ3 (potassium voltage-gated channel subfamily Q member 3; minus strand). Cytogenetic location: 8q24.22.
Variant type: single nucleotide variant.
Coding change: c.356G>A on transcript NM_004519.4 (MANE Select); coding-DNA position 356, G replaced by A.
Protein change: p.Arg119Gln; replaces arginine 119 with glutamine.
Molecular consequence: missense variant.
Genome position (GRCh38, 1-based): chr8:132,480,177, C>T on the plus strand (G>A on the coding strand, the complement: KCNQ3 is on the minus strand). VCF-style: chr8-132480177-C-T. GRCh37 (hg19) VCF-style: chr8-133492424-C-T.
Other names: short protein forms R119Q.
Identifiers: ClinVar variation 3005208 (VCV003005208.3), dbSNP rs899931046, ClinGen allele CA372292377.

ClinVar aggregate classification (germline): Uncertain significance (1 of 4 stars; one submission).

Conditions:
Benign neonatal seizures. Also called: Convulsions benign familial neonatal dominant form; Autosomal dominant form of benign neonatal seizures; Benign familial neonatal seizures; Benign neonatal familial convulsions; Benign familial neonatal epilepsy. Identifiers: Orphanet 1949, MedGen C0220669, MONDO:0016027.

Allele frequency attached by ClinVar (database versions not stated): gnomAD 0.00001.
gnomAD v4.1: 1 of 1,612,926 alleles (0.000062%); highest among the groups gnomAD compares: African/African-American, 0.0013%; no homozygotes.

Submission:

Labcorp Genetics (formerly Invitae), Labcorp
Classification: Uncertain significance for Benign neonatal seizures. Last evaluated: 2023-11-24. Review status: criteria provided, single submitter. Criteria: Invitae Variant Classification Sherloc (09022015). Collection method: clinical testing. Allele origin: germline.
Comment: This sequence change replaces arginine, which is basic and polar, with glutamine, which is neutral and polar, at codon 119 of the KCNQ3 protein (p.Arg119Gln). This variant is not present in population databases (gnomAD no frequency). This variant has not been reported in the literature in individuals affected with KCNQ3-related conditions. Advanced modeling of protein sequence and biophysical properties (such as structural, functional, and spatial information, amino acid conservation, physicochemical variation, residue mobility, and thermodynamic stability) performed at Invitae indicates that this missense variant is not expected to disrupt KCNQ3 protein function with a negative predictive value of 80%. In summary, the available evidence is currently insufficient to determine the role of this variant in disease. Therefore, it has been classified as a Variant of Uncertain Significance.